The following is an entry in ClinVar:

ClinVar aggregate classification (germline): Uncertain significance (1 of 4 stars; one submission).

Conditions:
Cockayne syndrome. Identifiers: Orphanet 191, MedGen C0009207, MONDO:0016006.
Fanconi anemia complementation group Q. Identifiers: Orphanet 84, MedGen C3808988, MONDO:0014108, OMIM 615272.
Xeroderma pigmentosum, group F (XPF). Also called: ERCC4-Related Xeroderma Pigmentosum; XERODERMA PIGMENTOSUM, TYPE F; Xeroderma pigmentosum, type 6; XERODERMA PIGMENTOSUM, COMPLEMENTATION GROUP F; XERODERMA PIGMENTOSUM VI; XP, GROUP F. Identifiers: MedGen C0268140, MONDO:0010215, OMIM 278760.

gnomAD v4.1: 7 of 1,614,208 alleles (0.00043%); highest among the groups gnomAD compares: Non-Finnish European, 0.00059%; no homozygotes.

Submission:

Labcorp Genetics (formerly Invitae), Labcorp
Classification: Uncertain significance for Fanconi anemia complementation group Q; Xeroderma pigmentosum, group F; Cockayne syndrome. Last evaluated: 2024-08-13. Review status: criteria provided, single submitter. Criteria: Invitae Variant Classification Sherloc (09022015). Collection method: clinical testing. Allele origin: germline.
Comment: This sequence change replaces valine, which is neutral and non-polar, with methionine, which is neutral and non-polar, at codon 724 of the ERCC4 protein (p.Val724Met). This variant is not present in population databases (gnomAD no frequency). This variant has not been reported in the literature in individuals affected with ERCC4-related conditions. Advanced modeling of protein sequence and biophysical properties (such as structural, functional, and spatial information, amino acid conservation, physicochemical variation, residue mobility, and thermodynamic stability) performed at Invitae indicates that this missense variant is expected to disrupt ERCC4 protein function with a positive predictive value of 80%. In summary, the available evidence is currently insufficient to determine the role of this variant in disease. Therefore, it has been classified as a Variant of Uncertain Significance.

NM_005236.3(ERCC4):c.2170G>A (p.Val724Met)

Gene: ERCC4 (ERCC excision repair 4, endonuclease catalytic subunit; plus strand). Cytogenetic location: 16p13.12.
Variant type: single nucleotide variant.
Coding change: c.2170G>A on transcript NM_005236.3 (MANE Select); coding-DNA position 2170, G replaced by A.
Protein change: p.Val724Met; replaces valine 724 with methionine.
Molecular consequence: missense variant.
Genome position (GRCh38, 1-based): chr16:13,947,766, G>A. VCF-style: chr16-13947766-G-A. GRCh37 (hg19) VCF-style: chr16-14041623-G-A.
Other names: short protein forms V724M.
Identifiers: ClinVar variation 3750922 (VCV003750922.2).